The following is an entry in ClinVar:

ClinVar aggregate classification (germline): Uncertain significance (1 of 4 stars; one submission).

gnomAD v4.1: 8 of 1,614,014 alleles (0.0005%); highest among the groups gnomAD compares: Non-Finnish European, 0.00059%; no homozygotes.

Submission:

Labcorp Genetics (formerly Invitae), Labcorp
Classification: Uncertain significance. Last evaluated: 2023-08-10. Review status: criteria provided, single submitter. Criteria: Invitae Variant Classification Sherloc (09022015). Collection method: clinical testing. Allele origin: germline.
Comment: In summary, the available evidence is currently insufficient to determine the role of this variant in disease. Therefore, it has been classified as a Variant of Uncertain Significance. Advanced modeling of protein sequence and biophysical properties (such as structural, functional, and spatial information, amino acid conservation, physicochemical variation, residue mobility, and thermodynamic stability) has been performed at Invitae for this missense variant, however the output from this modeling did not meet the statistical confidence thresholds required to predict the impact of this variant on NCSTN protein function. This variant has not been reported in the literature in individuals affected with NCSTN-related conditions. This variant is present in population databases (rs762493645, gnomAD 0.0009%). This sequence change replaces proline, which is neutral and non-polar, with leucine, which is neutral and non-polar, at codon 43 of the NCSTN protein (p.Pro43Leu).

NM_015331.3(NCSTN):c.128C>T (p.Pro43Leu)

Gene: NCSTN (nicastrin; plus strand). Cytogenetic location: 1q23.2.
Variant type: single nucleotide variant.
Coding change: c.128C>T on transcript NM_015331.3 (MANE Select); coding-DNA position 128, C replaced by T.
Protein change: p.Pro43Leu; replaces proline 43 with leucine.
Molecular consequence: missense variant.
Genome position (GRCh38, 1-based): chr1:160,344,764, C>T. VCF-style: chr1-160344764-C-T. GRCh37 (hg19) VCF-style: chr1-160314554-C-T.
Other names: c.68C>T, p.Pro23Leu (NM_001290184.2); c.128C>T, p.Pro43Leu (NM_001290186.2, NM_001349729.2); short protein forms P23L, P43L.
Identifiers: ClinVar variation 2895015 (VCV002895015.3), dbSNP rs762493645, ClinGen allele CA1198609.
Genomic context (GRCh38, chr1:160,344,764, plus strand): 5'-TTTTTATCTTCCGATCAGGTTTGTGCAGGGGAAACTCAGTGGAGAGGAAGATATATATCC[C>T]CTTAAATAAAACAGCTCCCTGTGTTCGCCTGCTCAACGCCACTCATCAGATTGGCTGCCA-3'
Protein context (NP_056146.1, residues 33-53): GNSVERKIYI[Pro43Leu]LNKTAPCVRL